The following is an entry in ClinVar:

NM_198076.6(COX20):c.160A>G (p.Arg54Gly)

Gene: COX20 (cytochrome c oxidase assembly factor COX20; plus strand). Cytogenetic location: 1q44.
Variant type: single nucleotide variant.
Coding change: c.160A>G on transcript NM_198076.6 (MANE Select); coding-DNA position 160, A replaced by G.
Protein change: p.Arg54Gly; replaces arginine 54 with glycine.
Molecular consequence: missense variant. On other transcripts: non-coding transcript variant (2), splice acceptor variant (1).
Genome position (GRCh38, 1-based): chr1:244,842,197, A>G. VCF-style: chr1-244842197-A-G. GRCh37 (hg19) VCF-style: chr1-245005499-A-G.
Other names: p.Arg54Gly; c.160A>G (NM_198076.4); c.160A>G, p.Arg54Gly (NM_001312871.1); c.196A>G, p.Arg66Gly (NM_001312872.1); c.25A>G, p.Arg9Gly (NM_001312873.1); c.158-2A>G (NM_001312874.1); short protein forms R54G, R66G, R9G.
Identifiers: ClinVar variation 3380786 (VCV003380786.2).
Genomic context (GRCh38, chr1:244,842,197, plus strand): 5'-TGGAGTAATGTATATAACGTAATTATATTCTAATTAATTGTTATGCTTATTTTTACAGGT[A>G]GAATTAGAAGATCATGTGATGTTGGAGTAGGAGGGTTTATCTTGGTGACTTTGGGATGCT-3'
Protein context (NP_932342.1, residues 44-64): AGFGHFLFTS[Arg54Gly]IRRSCDVGVG

ClinVar aggregate classification (germline): Uncertain significance. Review status: criteria provided, multiple submitters, no conflicts (2 of 4 stars). 2 submissions from 2 submitters: Uncertain significance (2). Last evaluated 2025-08-12.

Conditions:
Inborn genetic diseases. Identifiers: MedGen C0950123, MeSH D030342.

gnomAD v4.1: 18 of 1,600,360 alleles (0.0011%); highest among the groups gnomAD compares: African/African-American, 0.016%; no homozygotes.

Submissions (2):

Ambry Genetics
Classification: Uncertain significance for Inborn genetic diseases. Last evaluated: 2025-08-12. Review status: criteria provided, single submitter. Criteria: Ambry Variant Classification Scheme 2023. Collection method: clinical testing. Allele origin: germline.

Mayo Clinic Laboratories, Mayo Clinic
Classification: Uncertain significance. Last evaluated: 2024-05-02. Review status: criteria provided, single submitter. Criteria: ACMG Guidelines, 2015. Collection method: clinical testing. Allele origin: germline. Observed: 1 variant allele.
Comment: PM2